The following is an entry in ClinVar:

NM_000074.3(CD40LG):c.347-915A>T

Gene: CD40LG (CD40 ligand; plus strand). Cytogenetic location: Xq26.3.
Variant type: single nucleotide variant.
Coding change: c.347-915A>T on transcript NM_000074.3 (MANE Select); 915 bases into the intron before coding-DNA position 347, A replaced by T.
Molecular consequence: intron variant.
Genome position (GRCh38, 1-based): chrX:136,655,441, A>T. VCF-style: chrX-136655441-A-T. GRCh37 (hg19) VCF-style: chrX-135737600-A-T.
Identifiers: ClinVar variation 2138728 (VCV002138728.4), dbSNP rs2522112993, ClinGen allele CA2580101578.

ClinVar aggregate classification (germline): Uncertain significance (1 of 4 stars; one submission).

Conditions:
Hyper-IgM syndrome type 1. Also called: Hyper-IgM Immunodeficiency Syndrome, Type 1; CD40 Ligand Deficiency; X-linked hyper-IgM syndrome; Immunodeficiency, X-linked, with hyper-IgM. Identifiers: Orphanet 101088, MedGen C0398689, MONDO:0010626, OMIM 308230.

Submission:

Labcorp Genetics (formerly Invitae), Labcorp
Classification: Uncertain significance for Hyper-IgM syndrome type 1. Last evaluated: 2022-02-11. Review status: criteria provided, single submitter. Criteria: Invitae Variant Classification Sherloc (09022015). Collection method: clinical testing. Allele origin: germline.
Comment: This sequence change falls in intron 3 of the CD40LG gene. It does not directly change the encoded amino acid sequence of the CD40LG protein. The frequency data for this variant in the population databases is considered unreliable, as metrics indicate insufficient coverage at this position in the gnomAD database. This variant has been observed in individual(s) with hyper IgM syndrome (PMID: 14514918). This variant is also known as IVS3-915A>T. Algorithms developed to predict the effect of sequence changes on RNA splicing suggest that this variant may create or strengthen a splice site. In summary, the available evidence is currently insufficient to determine the role of this variant in disease. Therefore, it has been classified as a Variant of Uncertain Significance.

Literature cited by the submitters: PubMed 14514918.